The following is an entry in ClinVar:

NM_016553.5(NUP62):c.548C>T (p.Thr183Met)

Genes: IL4I1 (interleukin 4 induced 1; minus strand), NUP62 (nucleoporin 62; minus strand). Cytogenetic location: 19q13.33.
Variant type: single nucleotide variant.
Coding change: c.548C>T on transcript NM_016553.5 (MANE Select); coding-DNA position 548, C replaced by T.
Protein change: p.Thr183Met; replaces threonine 183 with methionine.
Molecular consequence: missense variant. On other transcripts: intron variant (3).
Genome position (GRCh38, 1-based): chr19:49,909,260, G>A on the plus strand (C>T on the coding strand, the complement: NUP62 is on the minus strand). VCF-style: chr19-49909260-G-A. GRCh37 (hg19) VCF-style: chr19-50412517-G-A.
Other names: c.548C>T, p.Thr183Met (NM_001193357.2, NM_012346.5, NM_153718.4 and 1 more transcripts); c.-227-4939C>T (NM_001258017.2, NM_172374.3); c.-285-4939C>T (NM_001258018.2); short protein forms T183M.
Identifiers: ClinVar variation 800771 (VCV000800771.8), dbSNP rs756420654, ClinGen allele CA9589115.

ClinVar aggregate classification (germline): Uncertain significance. Review status: criteria provided, multiple submitters, no conflicts (2 of 4 stars). 3 submissions from 3 submitters: Uncertain significance (2). 1 of the submissions does not count toward it. Last evaluated 2025-06-11.

Conditions:
Infantile bilateral striatal necrosis. Identifiers: Orphanet 1576, MedGen C0795996, MONDO:0015518.

Allele frequency attached by ClinVar (database versions not stated): gnomAD exomes 0.00002 and 0.00001; TOPMed 0.00002; gnomAD 0.00001; ExAC 0.00004.
gnomAD v4.1: 26 of 1,613,986 alleles (0.0016%); highest among the groups gnomAD compares: Middle Eastern, 0.049%; no homozygotes.

Submissions (3):

Ambry Genetics
Classification: Uncertain significance. Last evaluated: 2025-06-11. Review status: criteria provided, single submitter. Criteria: Ambry Variant Classification Scheme 2023. Collection method: clinical testing. Allele origin: germline.

Labcorp Genetics (formerly Invitae), Labcorp
Classification: Uncertain significance. Last evaluated: 2023-06-06. Review status: criteria provided, single submitter. Criteria: Invitae Variant Classification Sherloc (09022015). Collection method: clinical testing. Allele origin: germline.
Comment: In summary, the available evidence is currently insufficient to determine the role of this variant in disease. Therefore, it has been classified as a Variant of Uncertain Significance. An algorithm developed to predict the effect of missense changes on protein structure and function (PolyPhen-2) suggests that this variant is likely to be disruptive. ClinVar contains an entry for this variant (Variation ID: 800771). This variant has not been reported in the literature in individuals affected with NUP62-related conditions. This variant is present in population databases (rs756420654, gnomAD 0.004%). This sequence change replaces threonine, which is neutral and polar, with methionine, which is neutral and non-polar, at codon 183 of the NUP62 protein (p.Thr183Met).

Biochemical Molecular Genetic Laboratory, King Abdulaziz Medical City
Classification: Uncertain significance for Familial infantile bilateral striatal necrosis. Last evaluated: 2019-01-29. Review status: no assertion criteria provided. Collection method: clinical testing. Allele origin: germline. Affected: yes. Not counted in ClinVar's aggregate classification.